The following is an entry in ClinVar:

ClinVar aggregate classification (germline): Uncertain significance (1 of 4 stars; one submission).

Conditions:
Dilated cardiomyopathy 1W (CMD1W). Identifiers: Orphanet 154, MedGen C1969639, MONDO:0012667, OMIM 611407.

Submission:

Labcorp Genetics (formerly Invitae), Labcorp
Classification: Uncertain significance for Dilated cardiomyopathy 1W. Last evaluated: 2019-08-23. Review status: criteria provided, single submitter. Criteria: Invitae Variant Classification Sherloc (09022015). Collection method: clinical testing. Allele origin: germline.
Comment: In summary, the available evidence is currently insufficient to determine the role of this variant in disease. Therefore, it has been classified as a Variant of Uncertain Significance. The current clinical and genetic evidence is not sufficient to establish whether loss-of-function variants in VCL cause disease. This variant has not been reported in the literature in individuals with VCL-related conditions. This variant is not present in population databases (ExAC no frequency). This sequence change creates a premature translational stop signal (p.Asn220Profs*20) in the VCL gene. It is expected to result in an absent or disrupted protein product.

NM_014000.3(VCL):c.658_659del (p.Asn220fs)

Gene: VCL (vinculin; plus strand). Cytogenetic location: 10q22.2.
Variant type: Deletion.
Coding change: c.658_659del on transcript NM_014000.3 (MANE Select); coding-DNA positions 658 to 659, 2 bases deleted (AA; older notation c.658_659delAA).
Protein change: p.Asn220fs; shifts the reading frame from asparagine 220.
Molecular consequence: frameshift variant.
Genome position (GRCh38, 1-based): chr10:74,074,778-74,074,779, AA deleted; deleting any 2 consecutive bases within chr10:74,074,774-74,074,779 gives the same sequence; the c. name uses the placement nearest the transcript's 3' end. VCF-style (leftmost placement, unchanged base first): chr10-74074773-CAA-C. GRCh37 (hg19) VCF-style: chr10-75834531-CAA-C.
Other names: c.658_659del, p.Asn220fs (NM_003373.4); short protein forms N220fs.
Identifiers: ClinVar variation 955635 (VCV000955635.7), dbSNP rs397517245, ClinGen allele CA1139661512.